The following is an entry in ClinVar:

ClinVar aggregate classification (germline): Uncertain significance. Review status: criteria provided, multiple submitters, no conflicts (2 of 4 stars). 2 submissions from 2 submitters: Uncertain significance (2). Last evaluated 2022-05-21.

Conditions:
Immunodeficiency 51 (IMD51). Also called: CANDIDIASIS, FAMILIAL, 5. Identifiers: Orphanet 1334, MedGen C4310803, MONDO:0013500, OMIM 613953.

Allele frequency attached by ClinVar (database versions not stated): ExAC 0.00002; gnomAD exomes 0.00003 and 0.00008; TOPMed 0.00006; ESP Exome Variant Server 0.00008; gnomAD 0.00008.
gnomAD v4.1: 139 of 1,614,094 alleles (0.0086%); highest among the groups gnomAD compares: Non-Finnish European, 0.0094%; no homozygotes.

Submissions (2):

Labcorp Genetics (formerly Invitae), Labcorp
Classification: Uncertain significance for Immunodeficiency 51. Last evaluated: 2022-05-21. Review status: criteria provided, single submitter. Criteria: Invitae Variant Classification Sherloc (09022015). Collection method: clinical testing. Allele origin: germline.
Comment: This sequence change replaces threonine, which is neutral and polar, with methionine, which is neutral and non-polar, at codon 194 of the IL17RA protein (p.Thr194Met). This variant is present in population databases (rs151220068, gnomAD 0.004%). This variant has not been reported in the literature in individuals affected with IL17RA-related conditions. ClinVar contains an entry for this variant (Variation ID: 476366). Algorithms developed to predict the effect of missense changes on protein structure and function are either unavailable or do not agree on the potential impact of this missense change (SIFT: "Deleterious"; PolyPhen-2: "Benign"; Align-GVGD: "Class C0"). Algorithms developed to predict the effect of sequence changes on RNA splicing suggest that this variant may disrupt the consensus splice site. In summary, the available evidence is currently insufficient to determine the role of this variant in disease. Therefore, it has been classified as a Variant of Uncertain Significance.

Blueprint Genetics
Classification: Uncertain significance. Last evaluated: 2022-04-22. Review status: criteria provided, single submitter. Criteria: ACMG Guidelines, 2015. Collection method: clinical testing. Allele origin: germline.

NM_014339.7(IL17RA):c.581C>T (p.Thr194Met)

Gene: IL17RA (interleukin 17 receptor A; plus strand). Cytogenetic location: 22q11.1.
Variant type: single nucleotide variant.
Coding change: c.581C>T on transcript NM_014339.7 (MANE Select); coding-DNA position 581, C replaced by T.
Protein change: p.Thr194Met; replaces threonine 194 with methionine.
Molecular consequence: missense variant.
Genome position (GRCh38, 1-based): chr22:17,102,026, C>T. VCF-style: chr22-17102026-C-T. GRCh37 (hg19) VCF-style: chr22-17582916-C-T.
Other names: c.581C>T, p.Thr194Met (NM_001289905.2); short protein forms T194M.
Identifiers: ClinVar variation 476366 (VCV000476366.9), dbSNP rs151220068, ClinGen allele CA10086406.
Genomic context (GRCh38, chr22:17,102,026, plus strand): 5'-TAATGAGTTTCCTTTTTTCTGGGTCGACAGACTGTGAGCACGCCAGGATGAAGGTAACCA[C>T]GCCATGCATGAGCTCAGGTAACAGCTGGCCCGGGAGAGCTTTATTTGGATGCATACACAT-3'
Protein context (NP_055154.3, residues 184-204): DCEHARMKVT[Thr194Met]PCMSSGSLWD